The following is an entry in ClinVar:

ClinVar aggregate classification (germline): Uncertain significance. Review status: criteria provided, multiple submitters, no conflicts (2 of 4 stars). 2 submissions from 2 submitters: Uncertain significance (2). Last evaluated 2024-12-02.

Conditions:
Inborn genetic diseases. Identifiers: MedGen C0950123, MeSH D030342.

Allele frequency attached by ClinVar (database versions not stated): gnomAD exomes below 0.00001; gnomAD 0.00001.
gnomAD v4.1: 7 of 1,614,070 alleles (0.00043%); highest among the groups gnomAD compares: Admixed American, 0.01%; no homozygotes.

Submissions (2):

Labcorp Genetics (formerly Invitae), Labcorp
Classification: Uncertain significance. Last evaluated: 2024-12-02. Review status: criteria provided, single submitter. Criteria: Invitae Variant Classification Sherloc (09022015). Collection method: clinical testing. Allele origin: germline.
Comment: This sequence change replaces glycine, which is neutral and non-polar, with valine, which is neutral and non-polar, at codon 175 of the REN protein (p.Gly175Val). This variant is present in population databases (no rsID available, gnomAD 0.006%). This variant has not been reported in the literature in individuals affected with REN-related conditions. ClinVar contains an entry for this variant (Variation ID: 2903965). Invitae Evidence Modeling of protein sequence and biophysical properties (such as structural, functional, and spatial information, amino acid conservation, physicochemical variation, residue mobility, and thermodynamic stability) indicates that this missense variant is not expected to disrupt REN protein function with a negative predictive value of 80%. In summary, the available evidence is currently insufficient to determine the role of this variant in disease. Therefore, it has been classified as a Variant of Uncertain Significance.

Ambry Genetics
Classification: Uncertain significance for Inborn genetic diseases. Last evaluated: 2024-08-21. Review status: criteria provided, single submitter. Criteria: Ambry Variant Classification Scheme 2023. Collection method: clinical testing. Allele origin: germline.

NM_000537.4(REN):c.524G>T (p.Gly175Val)

Gene: REN (renin; minus strand). Cytogenetic location: 1q32.1.
Variant type: single nucleotide variant.
Coding change: c.524G>T on transcript NM_000537.4 (MANE Select); coding-DNA position 524, G replaced by T.
Protein change: p.Gly175Val; replaces glycine 175 with valine.
Molecular consequence: missense variant.
Genome position (GRCh38, 1-based): chr1:204,159,564, C>A on the plus strand (G>T on the coding strand, the complement: REN is on the minus strand). VCF-style: chr1-204159564-C-A. GRCh37 (hg19) VCF-style: chr1-204128692-C-A.
Other names: c.524G>T (NM_000537.3); short protein forms G175V.
Identifiers: ClinVar variation 2903965 (VCV002903965.4), dbSNP rs985476332, ClinGen allele CA35734614.
Genomic context (GRCh38, chr1:204,159,564, plus strand): 5'-CCCACAACCCCATCAAACTCGGCCAGCATGAAGGGTAAGGCGGGCATCTCCGTGACCTCT[C>A]CAAACATCTGTGTCACCGTGATTCCACCCACCTGTGGGAGGAAGGACCAGAGGAGACCAA-3'
Protein context (NP_000528.1, residues 165-185): VGGITVTQMF[Gly175Val]EVTEMPALPF